The following is an entry in ClinVar:

NM_002880.4(RAF1):c.683C>T (p.Ser228Phe)

Gene: RAF1 (Raf-1 proto-oncogene, serine/threonine kinase; minus strand). Cytogenetic location: 3p25.2.
Variant type: single nucleotide variant.
Coding change: c.683C>T on transcript NM_002880.4 (MANE Select); coding-DNA position 683, C replaced by T.
Protein change: p.Ser228Phe; replaces serine 228 with phenylalanine.
Molecular consequence: missense variant. On other transcripts: non-coding transcript variant (3).
Genome position (GRCh38, 1-based): chr3:12,604,287, G>A on the plus strand (C>T on the coding strand, the complement: RAF1 is on the minus strand). VCF-style: chr3-12604287-G-A. GRCh37 (hg19) VCF-style: chr3-12645786-G-A.
Other names: c.683C>T, p.Ser228Phe (NM_001354689.3, NM_001354690.3); c.440C>T, p.Ser147Phe (NM_001354691.3, NM_001354692.3, NM_001354694.3); c.584C>T, p.Ser195Phe (NM_001354693.3); c.341C>T, p.Ser114Phe (NM_001354695.3); short protein forms S147F, S114F, S195F, S228F.
Identifiers: ClinVar variation 2899756 (VCV002899756.4), dbSNP rs766437069, ClinGen allele CA351513383.

ClinVar aggregate classification (germline): Uncertain significance. Review status: criteria provided, multiple submitters, no conflicts (2 of 4 stars). 2 submissions from 2 submitters: Uncertain significance (2). Last evaluated 2025-08-31.

Conditions:
RASopathy. Also called: rasopathies; Noonan spectrum disorder. Identifiers: Orphanet 536391, MedGen C5555857, MONDO:0021060.
RAF1-related disorder. Also called: RAF1-related disorders; RAF1-related condition.

gnomAD v4.1: 1 of 1,613,862 alleles (0.000062%); highest among the groups gnomAD compares: Admixed American, 0.0017%; no homozygotes.

Submissions (2):

Labcorp Genetics (formerly Invitae), Labcorp
Classification: Uncertain significance for RASopathy. Last evaluated: 2025-08-31. Review status: criteria provided, single submitter. Criteria: Invitae Variant Classification Sherloc (09022015). Collection method: clinical testing. Allele origin: germline.
Comment: This sequence change replaces serine, which is neutral and polar, with phenylalanine, which is neutral and non-polar, at codon 228 of the RAF1 protein (p.Ser228Phe). This variant is not present in population databases (gnomAD no frequency). This variant has not been reported in the literature in individuals affected with RAF1-related conditions. ClinVar contains an entry for this variant (Variation ID: 2899756). Invitae Evidence Modeling incorporating data from in vitro experimental studies (internal data) indicates that this missense variant is not expected to disrupt RAF1 function with a negative predictive value of 80%. In summary, the available evidence is currently insufficient to determine the role of this variant in disease. Therefore, it has been classified as a Variant of Uncertain Significance.

PreventionGenetics, part of Exact Sciences
Classification: Uncertain significance for RAF1-related condition. Last evaluated: 2025-05-18. Review status: criteria provided, single submitter. Criteria: ACMG Guidelines, 2015. Collection method: clinical testing. Allele origin: germline.
Comment: The RAF1 c.683C>T variant is predicted to result in the amino acid substitution p.Ser228Phe. To our knowledge, this variant has not been reported in the literature or in a large population database (gnomAD), indicating this variant is rare. At this time, the clinical significance of this variant is uncertain due to the absence of conclusive functional and genetic evidence.